The following is an entry in ClinVar:

ClinVar aggregate classification (germline): Uncertain significance. Review status: criteria provided, multiple submitters, no conflicts (2 of 4 stars). 3 submissions from 3 submitters: Uncertain significance (3). Last evaluated 2025-05-14.

Conditions:
Inborn genetic diseases. Identifiers: MedGen C0950123, MeSH D030342.
Hypophosphatemic nephrolithiasis/osteoporosis 2. Identifiers: Orphanet 244305, MedGen C2676782, MONDO:0012851, OMIM 612287.

Allele frequency attached by ClinVar (database versions not stated): gnomAD 0.00003; TOPMed 0.00005; ExAC 0.00009.
gnomAD v4.1: 93 of 1,613,970 alleles (0.0058%); highest among the groups gnomAD compares: South Asian, 0.019%; 1 homozygote.

Submissions (3):

Ambry Genetics
Classification: Uncertain significance for Inborn genetic diseases. Last evaluated: 2025-05-14. Review status: criteria provided, single submitter. Criteria: Ambry Variant Classification Scheme 2023. Collection method: clinical testing. Allele origin: germline.

Labcorp Genetics (formerly Invitae), Labcorp
Classification: Uncertain significance. Last evaluated: 2024-06-17. Review status: criteria provided, single submitter. Criteria: Invitae Variant Classification Sherloc (09022015). Collection method: clinical testing. Allele origin: germline.
Comment: This sequence change replaces arginine, which is basic and polar, with glutamine, which is neutral and polar, at codon 194 of the SLC9A3R1 protein (p.Arg194Gln). This variant is present in population databases (rs774331136, gnomAD 0.03%). This variant has not been reported in the literature in individuals affected with SLC9A3R1-related conditions. ClinVar contains an entry for this variant (Variation ID: 1053365). Algorithms developed to predict the effect of missense changes on protein structure and function output the following: SIFT: "Not Available"; PolyPhen-2: "Benign"; Align-GVGD: "Not Available". The glutamine amino acid residue is found in multiple mammalian species, which suggests that this missense change does not adversely affect protein function. In summary, the available evidence is currently insufficient to determine the role of this variant in disease. Therefore, it has been classified as a Variant of Uncertain Significance.

Clinical Genomics Laboratory, Stanford Medicine
Classification: Uncertain significance for Hypophosphatemic nephrolithiasis/osteoporosis 2. Last evaluated: 2023-08-15. Review status: criteria provided, single submitter. Criteria: ACMG Guidelines, 2015. Collection method: clinical testing. Allele origin: germline. Observed: 1 variant allele, 1 heterozygote.

NM_004252.5(NHERF1):c.581G>A (p.Arg194Gln)

Gene: NHERF1 (NHERF family PDZ scaffold protein 1; plus strand). Cytogenetic location: 17q25.1.
Variant type: single nucleotide variant.
Coding change: c.581G>A on transcript NM_004252.5 (MANE Select); coding-DNA position 581, G replaced by A.
Protein change: p.Arg194Gln; replaces arginine 194 with glutamine.
Molecular consequence: missense variant.
Genome position (GRCh38, 1-based): chr17:74,762,151, G>A. VCF-style: chr17-74762151-G-A. GRCh37 (hg19) VCF-style: chr17-72758290-G-A.
Other names: c.581G>A (NM_004252.3); short protein forms R194Q.
Identifiers: ClinVar variation 1053365 (VCV001053365.11), dbSNP rs774331136, ClinGen allele CA8750631.